The following is an entry in ClinVar:

NM_014633.5(CTR9):c.3500A>G (p.His1167Arg)

Gene: CTR9 (CTR9 component of Paf1/RNA polymerase II complex; plus strand). Cytogenetic location: 11p15.4.
Variant type: single nucleotide variant.
Coding change: c.3500A>G on transcript NM_014633.5 (MANE Select); coding-DNA position 3500, A replaced by G.
Protein change: p.His1167Arg; replaces histidine 1167 with arginine.
Molecular consequence: missense variant.
Genome position (GRCh38, 1-based): chr11:10,779,083, A>G. VCF-style: chr11-10779083-A-G. GRCh37 (hg19) VCF-style: chr11-10800630-A-G.
Other names: c.3428A>G, p.His1143Arg (NM_001346279.2); short protein forms H1167R, H1143R.
Identifiers: ClinVar variation 4779537 (VCV004779537.1).

ClinVar aggregate classification (germline): Uncertain significance (1 of 4 stars; one submission).

gnomAD v4.1: 2 of 1,611,746 alleles (0.00012%); highest among the groups gnomAD compares: Non-Finnish European, 0.00017%; no homozygotes.

Submission:

Labcorp Genetics (formerly Invitae), Labcorp
Classification: Uncertain significance. Last evaluated: 2025-07-21. Review status: criteria provided, single submitter. Criteria: Invitae Variant Classification Sherloc (09022015). Collection method: clinical testing. Allele origin: germline.
Comment: This sequence change replaces histidine, which is basic and polar, with arginine, which is basic and polar, at codon 1167 of the CTR9 protein (p.His1167Arg). This variant is present in population databases (no rsID available, gnomAD 0.0009%). This variant has not been reported in the literature in individuals affected with CTR9-related conditions. An algorithm developed to predict the effect of missense changes on protein structure and function outputs the following: PolyPhen-2: "Benign". The arginine amino acid residue is found in multiple mammalian species, which suggests that this missense change does not adversely affect protein function. In summary, the available evidence is currently insufficient to determine the role of this variant in disease. Therefore, it has been classified as a Variant of Uncertain Significance.